The following is an entry in ClinVar:

ClinVar aggregate classification (germline): Uncertain significance (1 of 4 stars; one submission).

Submission:

GeneDx
Classification: Uncertain significance. Last evaluated: 2022-05-19. Review status: criteria provided, single submitter. Criteria: GeneDx Variant Classification Process June 2021. Collection method: clinical testing. Allele origin: germline. Affected: yes.
Comment: Not observed at significant frequency in large population cohorts (gnomAD); In silico analysis supports that this missense variant has a deleterious effect on protein structure/function; Has not been previously published as pathogenic or benign to our knowledge; Variants in candidate genes are classified as variants of uncertain significance in accordance with ACMG guidelines (Richards et al., 2015)

NM_014974.3(DIP2C):c.1322C>T (p.Thr441Ile)

Gene: DIP2C (disco interacting protein 2 homolog C; minus strand). Cytogenetic location: 10p15.3.
Variant type: single nucleotide variant.
Coding change: c.1322C>T on transcript NM_014974.3 (MANE Select); coding-DNA position 1322, C replaced by T.
Protein change: p.Thr441Ile; replaces threonine 441 with isoleucine.
Molecular consequence: missense variant.
Genome position (GRCh38, 1-based): chr10:390,802, G>A on the plus strand (C>T on the coding strand, the complement: DIP2C is on the minus strand). VCF-style: chr10-390802-G-A. GRCh37 (hg19) VCF-style: chr10-436742-G-A.
Other names: short protein forms T441I.
Identifiers: ClinVar variation 3342525 (VCV003342525.1).
Genomic context (GRCh38, chr10:390,802, plus strand): 5'-TTAAACTGTGGGATCTCTCCCGTTGGGCTTTTTGGAAGTCCTTTATGGCAGGCGTCACTA[G>A]TCAAGGCTACAGTAACTCCACAGCTTCCAAGCAAGAAACCTATCTGCTGGCTCCCTGCGT-3'
Protein context (NP_055789.1, residues 431-451): LGSCGVTVAL[Thr441Ile]SDACHKGLPK